The following is an entry in ClinVar:

NM_000518.5(HBB):c.316-14T>G

Genes: HBB (hemoglobin subunit beta; minus strand), LOC107133510 (origin of replication at HBB; plus strand), LOC110006319 (beta-globin gene 3' regulatory region; plus strand). Cytogenetic location: 11p15.4.
Variant type: single nucleotide variant.
Coding change: c.316-14T>G on transcript NM_000518.5 (MANE Select); 14 bases into the intron before coding-DNA position 316, T replaced by G.
Molecular consequence: intron variant.
Genome position (GRCh38, 1-based): chr11:5,225,740, A>C on the plus strand (T>G on the coding strand, the complement: HBB is on the minus strand). VCF-style: chr11-5225740-A-C. GRCh37 (hg19) VCF-style: chr11-5246970-A-C.
Identifiers: ClinVar variation 36313 (VCV000036313.28), dbSNP rs35703285, ClinGen allele CA342858.

ClinVar aggregate classification (germline): Pathogenic/Likely pathogenic. Review status: criteria provided, multiple submitters, no conflicts (2 of 4 stars). 10 submissions from 10 submitters: Pathogenic (7); Likely pathogenic (3). Last evaluated 2025-11-20.

Conditions:
Hb SS disease (SCD). Also called: Hemoglobin SS; Sickle cell anemia; Sickle cell disease; HbS disease; Hemoglobin S Disease; Sickling disorder due to hemoglobin S. Identifiers: Orphanet 232, Orphanet 275752, MedGen C0002895, MONDO:0011382, OMIM 603903.
Heinz body anemia. Also called: Heinz body hemolytic anemia. Identifiers: Orphanet 178330, MedGen C0700299, MONDO:0007705, OMIM 140700, HP:0005511.
Dominant beta-thalassemia. Also called: Beta-thalassemia, dominant inclusion body type. Identifiers: Orphanet 231226, Orphanet 848, MedGen C1858990, MONDO:0011381, OMIM 603902.
Beta-thalassemia HBB/LCRB. Identifiers: MedGen CN322236, MONDO:0013517, OMIM 613985.
Erythrocytosis, familial, 6. Also called: POLYCYTHEMIA, BETA-GLOBIN TYPE; ERYTHROCYTOSIS, BETA-GLOBIN TYPE. Identifiers: MedGen C4693822, MONDO:0054801, OMIM 617980.
METHEMOGLOBINEMIA, BETA TYPE. Also called: Methemoglobinemia, beta-globin type. Identifiers: MedGen C1840779, OMIM 617971.
Malaria, susceptibility to. Identifiers: Orphanet 673, MedGen C1970028, MONDO:0021024, OMIM 611162.
Hereditary persistence of fetal hemoglobin. Identifiers: MedGen C0019025, MONDO:0020989, OMIM 141749.
beta Thalassemia (BTHAL). Also called: Cooley's anemia; Erythroblastic anemia; Mediterranean anemia. Identifiers: Orphanet 848, MedGen C0005283, MONDO:0019402. Disease mechanism: loss of function.

Allele frequency attached by ClinVar (database versions not stated): gnomAD exomes below 0.00001.
gnomAD v4.1: 7 of 1,613,852 alleles (0.00043%); highest among the groups gnomAD compares: South Asian, 0.0055%; no homozygotes.

Submissions (10):

GeneDx
Classification: Likely pathogenic. Last evaluated: 2025-11-20. Review status: criteria provided, single submitter. Criteria: GeneDx Variant Classification Process June 2021. Collection method: clinical testing. Allele origin: germline. Affected: yes.
Comment: Observed with a pathogenic variant in patients with beta-thalassemia in published literature, but it is not known whether the variants occurred on the same (in cis) or on different (in trans) chromosomes (PMID: 15933066; Gupta P et al. (2023) medRxiv.); Reported as a common variant among individuals of South Indian background (PMID: 21119755, 22734501); Not observed at significant frequency in large population cohorts (gnomAD); In silico analysis supports a deleterious effect on splicing; Also known as IVS-II-837 (T>G) using alternate nomenclature; This variant is associated with the following publications: (PMID: 30489691, 31766235, 1772786, 32412692, 23651435, 18294253, 22734501, 12709369, 15278762, 19254853, 23590658, 20437613, 19205975, 35620315, Gupta[article]2023, 33829933, 20230396, 15933066, 21119755, 40844095)

Natera, Inc.
Classification: Likely pathogenic for Beta thalassemia. Last evaluated: 2025-07-29. Review status: criteria provided, single submitter. Criteria: Natera Variant Classification Schema (03/2026). Collection method: clinical testing. Allele origin: germline.
Comment: The c.316-14T>G variant in HBB is an intronic variant located outside the canonical splice sites. This variant is rare in the general population with a frequency below the threshold expected for the associated phenotype(s). This variant has been observed in one or more individuals affected with the associated recessive disease, as either homozygous or compound heterozygous with a second variant (PMID: 35620315, 22734501, 21797702, 12709369, 19205975). Given the available evidence, this variant is classified as Likely Pathogenic.

ARUP Laboratories, Molecular Genetics and Genomics, ARUP Laboratories
Classification: Pathogenic. Last evaluated: 2024-09-10. Review status: criteria provided, single submitter. Criteria: ARUP Molecular Germline Variant Investigation Process 2024. Collection method: clinical testing. Allele origin: germline.
Comment: The HBB c.316-14T>G variant (rs35703285, HbVar ID: 895), also known as IVS-II-837T>G, has been reported in the heterozygous state in individuals affected with microcytosis and hypochromia and is associated with an intermediate beta thalassemia phenotype when in combination with a beta(0) HBB variant on the opposite chromosome (Link to HbVar, Luo 2005, Nadkarni 2009, Sinha 2009, Varawalla 1991). It is reported in ClinVar (Variation ID: 36313) and absent from the Genome Aggregation Database, indicating it is not a common polymorphism. This is an intronic variant in a moderately conserved nucleotide, and computational analyses (Alamut v.2.11) predict that this variant may impact splicing by creating a novel cryptic acceptor splice site. Based on available information, this variant is considered pathogenic. References: Link to HbVar: Luo H et al. Patients with thalassemia in the United States. Blood. 2005 Jun 15;105(12):4896-7. PMID: 15933066. Nadkarni A et al. Hematological and molecular analysis of novel and rare beta-thalassemia mutations in the Indian population. Hemoglobin. 2009;33(1):59-65. PMID: 19205975. Sinha S et al. Profiling B-thalassaemia mutations in India at state and regional levels: implications for genetic education, screening and counselling programmes. Hugo J. 2009 Dec;3(1-4):51-62. PMID: 21119755 Varawalla N et al. Rare beta-thalassaemia mutations in Asian indians. Br J Haematol. 1991 Dec;79(4):640-4. PMID: 1772786.

Fulgent Genetics
Classification: Pathogenic for Heinz body anemia; Hereditary persistence of fetal hemoglobin; Dominant beta-thalassemia; Hb SS disease; Malaria, susceptibility to; Beta-thalassemia HBB/LCRB; METHEMOGLOBINEMIA, BETA TYPE; Erythrocytosis, familial, 6. Last evaluated: 2024-05-18. Review status: criteria provided, single submitter. Criteria: ACMG Guidelines, 2015. Collection method: clinical testing. Allele origin: germline.

Labcorp Genetics (formerly Invitae), Labcorp
Classification: Pathogenic. Last evaluated: 2023-10-22. Review status: criteria provided, single submitter. Criteria: Invitae Variant Classification Sherloc (09022015). Collection method: clinical testing. Allele origin: germline.
Comment: This sequence change falls in intron 2 of the HBB gene. It does not directly change the encoded amino acid sequence of the HBB protein. This variant is not present in population databases (gnomAD no frequency). This variant has been observed in individual(s) with beta thalasemia (PMID: 15933066, 19205975, 22734501, 23590658). In at least one individual the data is consistent with being in trans (on the opposite chromosome) from a pathogenic variant. This variant is also known as IVS II:837 T>G. ClinVar contains an entry for this variant (Variation ID: 36313). Algorithms developed to predict the effect of sequence changes on RNA splicing suggest that this variant may disrupt the consensus splice site. For these reasons, this variant has been classified as Pathogenic.

Genetics and Molecular Pathology, SA Pathology
Classification: Likely pathogenic for beta Thalassemia. Last evaluated: 2022-07-26. Review status: criteria provided, single submitter. Criteria: ACMG Guidelines, 2015. Collection method: clinical testing. Allele origin: germline. Inheritance: Autosomal recessive inheritance. Affected: yes.

Quest Diagnostics Nichols Institute San Juan Capistrano
Classification: Pathogenic. Last evaluated: 2022-03-02. Review status: criteria provided, single submitter. Criteria: Quest Diagnostics criteria. Collection method: clinical testing. Allele origin: unknown.
Comment: This variant has not been reported in large, multi-ethnic general populations. In the published literature, the variant is associated with beta(+)-thalassemia or beta(0)-thalassemia (PMID: 1772786 (1991), 18294253 (2008), 19205975 (2009), 22734501 (2012)). Analysis of this variant using software algorithms for the prediction of the effect of nucleotide changes on HBB mRNA splicing yielded predictions that this variant may result in the gain of a cryptic splice site without affecting the natural splice sites. Based on the available information, this variant is classified as pathogenic.

Mayo Clinic Laboratories, Mayo Clinic
Classification: Pathogenic. Last evaluated: 2020-03-24. Review status: criteria provided, single submitter. Criteria: ACMG Guidelines, 2015. Collection method: clinical testing. Allele origin: germline. Observed: 1 variant allele.

Revvity Omics, Revvity
Classification: Pathogenic. Last evaluated: 2020-02-07. Review status: criteria provided, single submitter. Criteria: ACMG Guidelines, 2015. Collection method: clinical testing. Allele origin: germline.

Women's Health and Genetics/Laboratory Corporation of America, LabCorp
Classification: Pathogenic for Beta Thalassemia. Last evaluated: 2011-08-18. Review status: criteria provided, single submitter. Criteria: LabCorp Variant Classification Summary - May 2015. Collection method: curation, clinical testing. Allele origin: germline. Inheritance: autosomal recessive. Affected: yes. Observed: 39 variant alleles.
ClinVar note: Converted during submission from pathogenic to Pathogenic.

Literature cited by the submitters: PubMed 35620315 (cited by Natera, Inc.); PubMed 22734501 (cited by 4 submitters); PubMed 21797702 (cited by Natera, Inc.); PubMed 12709369 (cited by Natera, Inc. and Women's Health and Genetics/Laboratory Corporation of America, LabCorp); PubMed 19205975 (cited by 5 submitters); PubMed 15933066 (cited by Labcorp Genetics (formerly Invitae), Labcorp and Women's Health and Genetics/Laboratory Corporation of America, LabCorp); PubMed 23590658 (cited by Labcorp Genetics (formerly Invitae), Labcorp); PubMed 1772786 (cited by Quest Diagnostics Nichols Institute San Juan Capistrano and Women's Health and Genetics/Laboratory Corporation of America, LabCorp); PubMed 18294253 (cited by Quest Diagnostics Nichols Institute San Juan Capistrano and Women's Health and Genetics/Laboratory Corporation of America, LabCorp); PubMed 25523871 (cited by Quest Diagnostics Nichols Institute San Juan Capistrano); PubMed 22690826 (cited by Quest Diagnostics Nichols Institute San Juan Capistrano); PubMed 20437613 (cited by Quest Diagnostics Nichols Institute San Juan Capistrano and Women's Health and Genetics/Laboratory Corporation of America, LabCorp); PubMed 21119755 (cited by Quest Diagnostics Nichols Institute San Juan Capistrano and Women's Health and Genetics/Laboratory Corporation of America, LabCorp); PubMed 19254853 (cited by Quest Diagnostics Nichols Institute San Juan Capistrano and Women's Health and Genetics/Laboratory Corporation of America, LabCorp); PubMed 20230396 (cited by Women's Health and Genetics/Laboratory Corporation of America, LabCorp); PubMed 15278762 (cited by Women's Health and Genetics/Laboratory Corporation of America, LabCorp).